The following is an entry in ClinVar:

NM_173689.7(CRB2):c.382_386dup (p.Tyr130fs)

Gene: CRB2 (crumbs cell polarity complex component 2; plus strand). Cytogenetic location: 9q33.3.
Variant type: Duplication.
Coding change: c.382_386dup on transcript NM_173689.7 (MANE Select); coding-DNA positions 382 to 386, 5 bases duplicated (GATCG; older notation c.382_386dupGATCG).
Protein change: p.Tyr130fs; shifts the reading frame from tyrosine 130.
Molecular consequence: frameshift variant.
Genome position (GRCh38, 1-based): chr9:123,363,152-123,363,156, GATCG duplicated. VCF-style (leftmost placement, unchanged base first): chr9-123363151-C-CGATCG. GRCh37 (hg19) VCF-style: chr9-126125430-C-CGATCG.
Other names: short protein forms Y130fs.
Identifiers: ClinVar variation 3610435 (VCV003610435.2).
Genomic context (GRCh38, chr9:123,363,151, plus strand): 5'-GGACATCGATGAGTGTGCATCCCGGCCGTGCCACCATGGGGCCACCTGCCGCAACCTGGC[C>CGATCG]GATCGCTACGAGTGCCATTGCCCCCTTGGCTATGCAGGTAACAGCCTGGGCCGCCCTGGG-3'

ClinVar aggregate classification (germline): Pathogenic (1 of 4 stars; one submission).

Submission:

Labcorp Genetics (formerly Invitae), Labcorp
Classification: Pathogenic. Last evaluated: 2024-02-24. Review status: criteria provided, single submitter. Criteria: Invitae Variant Classification Sherloc (09022015). Collection method: clinical testing. Allele origin: germline.
Comment: This sequence change creates a premature translational stop signal (p.Tyr130Ilefs*14) in the CRB2 gene. It is expected to result in an absent or disrupted protein product. Loss-of-function variants in CRB2 are known to be pathogenic (PMID: 27942854, 30212996). This variant is not present in population databases (gnomAD no frequency). This variant has not been reported in the literature in individuals affected with CRB2-related conditions. For these reasons, this variant has been classified as Pathogenic.

Literature cited by the submitters: PubMed 27942854; PubMed 30212996.